The following is an entry in ClinVar:

ClinVar aggregate classification (germline): Uncertain significance (1 of 4 stars; one submission).

Conditions:
Developmental and epileptic encephalopathy, 54. Also called: HNRNPU-Related Neurodevelopmental Disorder; Epileptic encephalopathy, early infantile, 54. Identifiers: MedGen C4479319, MONDO:0033363, OMIM 617391.

Submission:

Labcorp Genetics (formerly Invitae), Labcorp
Classification: Uncertain significance for Developmental and epileptic encephalopathy, 54. Last evaluated: 2025-08-03. Review status: criteria provided, single submitter. Criteria: Invitae Variant Classification Sherloc (09022015). Collection method: clinical testing. Allele origin: germline.
Comment: This sequence change replaces aspartic acid, which is acidic and polar, with glycine, which is neutral and non-polar, at codon 147 of the HNRNPU protein (p.Asp147Gly). This variant is not present in population databases (gnomAD no frequency). This variant has not been reported in the literature in individuals affected with HNRNPU-related conditions. Invitae Evidence Modeling of protein sequence and biophysical properties (such as structural, functional, and spatial information, amino acid conservation, physicochemical variation, residue mobility, and thermodynamic stability) indicates that this missense variant is not expected to disrupt HNRNPU protein function with a negative predictive value of 95%. In summary, the available evidence is currently insufficient to determine the role of this variant in disease. Therefore, it has been classified as a Variant of Uncertain Significance.

NM_031844.3(HNRNPU):c.440A>G (p.Asp147Gly)

Gene: HNRNPU (heterogeneous nuclear ribonucleoprotein U; minus strand). Cytogenetic location: 1q44.
Variant type: single nucleotide variant.
Coding change: c.440A>G on transcript NM_031844.3 (MANE Select); coding-DNA position 440, A replaced by G.
Protein change: p.Asp147Gly; replaces aspartic acid 147 with glycine.
Molecular consequence: missense variant.
Genome position (GRCh38, 1-based): chr1:244,863,868, T>C on the plus strand (A>G on the coding strand, the complement: HNRNPU is on the minus strand). VCF-style: chr1-244863868-T-C. GRCh37 (hg19) VCF-style: chr1-245027170-T-C.
Other names: c.440A>G, p.Asp147Gly (NM_004501.3); short protein forms D147G.
Identifiers: ClinVar variation 4709703 (VCV004709703.1).